The following is an entry in ClinVar:

ClinVar aggregate classification (germline): Uncertain significance (1 of 4 stars; one submission).

Conditions:
Ataxia-telangiectasia syndrome (AT). Also called: Ataxia-telangiectasia, complementation group D; AT, COMPLEMENTATION GROUP C; ATAXIA-TELANGIECTASIA, COMPLEMENTATION GROUP A; ATAXIA-TELANGIECTASIA, FRESNO VARIANT; Ataxia-telangiectasia; Ataxia-telangiectasia, complementation group E. Identifiers: Orphanet 100, MedGen C0004135, MONDO:0008840, OMIM 208900.

Submission:

Labcorp Genetics (formerly Invitae), Labcorp
Classification: Uncertain significance for Ataxia-telangiectasia syndrome. Last evaluated: 2025-01-26. Review status: criteria provided, single submitter. Criteria: Invitae Variant Classification Sherloc (09022015). Collection method: clinical testing. Allele origin: germline.
Comment: This sequence change replaces arginine, which is basic and polar, with proline, which is neutral and non-polar, at codon 2993 of the ATM protein (p.Arg2993Pro). This variant is not present in population databases (gnomAD no frequency). This variant has not been reported in the literature in individuals affected with ATM-related conditions. Invitae Evidence Modeling of protein sequence and biophysical properties (such as structural, functional, and spatial information, amino acid conservation, physicochemical variation, residue mobility, and thermodynamic stability) indicates that this missense variant is not expected to disrupt ATM protein function with a negative predictive value of 95%. In summary, the available evidence is currently insufficient to determine the role of this variant in disease. Therefore, it has been classified as a Variant of Uncertain Significance.

NM_000051.4(ATM):c.8978G>C (p.Arg2993Pro)

Genes: ATM (ATM serine/threonine kinase; plus strand), C11orf65 (chromosome 11 open reading frame 65; minus strand). Cytogenetic location: 11q22.3.
Variant type: single nucleotide variant.
Coding change: c.8978G>C on transcript NM_000051.4 (MANE Select); coding-DNA position 8978, G replaced by C.
Protein change: p.Arg2993Pro; replaces arginine 2993 with proline.
Molecular consequence: missense variant. On other transcripts: intron variant (2).
Genome position (GRCh38, 1-based): chr11:108,365,209, G>C. VCF-style: chr11-108365209-G-C. GRCh37 (hg19) VCF-style: chr11-108235936-G-C.
Other names: c.8978G>C, p.Arg2993Pro (NM_001351834.2); c.640+20711C>G (NM_001330368.2); c.694+20711C>G (NM_001351110.2); short protein forms R2993P.
Identifiers: ClinVar variation 3720493 (VCV003720493.2).